The following is an entry in ClinVar:

ClinVar aggregate classification (germline): Likely pathogenic (1 of 4 stars; one submission).

Conditions:
Cardiovascular phenotype. Identifiers: MedGen CN230736.

Submission:

Ambry Genetics
Classification: Likely pathogenic for Cardiovascular phenotype. Last evaluated: 2016-04-14. Review status: criteria provided, single submitter. Criteria: Ambry Variant Classification Scheme 2023. Collection method: clinical testing. Allele origin: germline.
Comment: The p.Y375H variant (also known as c.1123T>C), located in coding exon 7 of the ACVRL1 gene, results from a T to C substitution at nucleotide position 1123. The tyrosine at codon 375 is replaced by histidine, an amino acid with similar properties. This variant was reported in multiple individuals in one family with hereditary hemorrhagic telangiectasia (Abdalla SA, Eur. J. Hum. Genet. 2003 Apr; 11(4):279-87; Abdalla SA, J. Med. Genet. 2003 Jul; 40(7):494-502). In addition, in vitro studies demonstrated that this protein is retained in the endoplasmic reticulum and is not localized to the plasma membrane (Hume AN, Mol. Cell. Biochem. 2013 Jan; 373(1-2):247-57). This variant was not reported in population based cohorts in the following databases: Database of Single Nucleotide Polymorphisms (dbSNP), NHLBI Exome Sequencing Project (ESP), and 1000 Genomes Project. In the ESP, this variant was not observed in 6503 samples (13006 alleles) with coverage at this position. This amino acid position is highly conserved in available vertebrate species. In addition, this alteration is predicted to be deleterious by in silico analysis. Based on the majority of available evidence to date, this variant is likely to be pathogenic.

Literature cited by the submitters: PubMed 12700602; PubMed 12843319; PubMed 23124896.

NM_000020.3(ACVRL1):c.1123T>C (p.Tyr375His)

Gene: ACVRL1 (activin A receptor like type 1; plus strand). Cytogenetic location: 12q13.13.
Variant type: single nucleotide variant.
Coding change: c.1123T>C on transcript NM_000020.3 (MANE Select); coding-DNA position 1123, T replaced by C.
Protein change: p.Tyr375His; replaces tyrosine 375 with histidine.
Molecular consequence: missense variant.
Genome position (GRCh38, 1-based): chr12:51,916,110, T>C. VCF-style: chr12-51916110-T-C. GRCh37 (hg19) VCF-style: chr12-52309894-T-C.
Other names: c.1123T>C, p.Tyr375His (NM_001077401.2, NM_001406487.1, NM_001406488.1 and 1 more transcripts); c.811T>C, p.Tyr271His (NM_001406490.1, NM_001406491.1, NM_001406492.1 and 1 more transcripts); c.559T>C, p.Tyr187His (NM_001406495.1); short protein forms Y187H, Y271H, Y375H.
Identifiers: ClinVar variation 1798515 (VCV001798515.2), dbSNP rs2139076336, ClinGen allele CA384902423.